The following is an entry in ClinVar:

NM_006180.6(NTRK2):c.2445C>T (p.Asn815=)

Gene: NTRK2 (neurotrophic receptor tyrosine kinase 2; plus strand). Cytogenetic location: 9q21.33.
Variant type: single nucleotide variant.
Coding change: c.2445C>T on transcript NM_006180.6 (MANE Select); coding-DNA position 2445, C replaced by T.
Protein change: p.Asn815=; no amino-acid change (asparagine 815 retained).
Molecular consequence: synonymous variant.
Genome position (GRCh38, 1-based): chr9:85,021,365, C>T. VCF-style: chr9-85021365-C-T. GRCh37 (hg19) VCF-style: chr9-87636280-C-T.
Other names: c.2397C>T, p.Asn799= (NM_001018064.3, NM_001369532.1, NM_001369533.1); c.2361C>T, p.Asn787= (NM_001369534.1); c.1929C>T, p.Asn643= (NM_001369535.1); c.1977C>T, p.Asn659= (NM_001369536.1).
Identifiers: ClinVar variation 3348434 (VCV003348434.1).

ClinVar aggregate classification (germline): Likely benign (0 of 4 stars; one submission).

Conditions:
NTRK2-related disorder. Also called: NTRK2-related condition.

gnomAD v4.1: 3 of 1,614,162 alleles (0.00019%); highest among the groups gnomAD compares: African/African-American, 0.0013%; no homozygotes.

Submission:

PreventionGenetics, part of Exact Sciences
Classification: Likely benign for NTRK2-related condition. Last evaluated: 2024-08-05. Review status: no assertion criteria provided. Collection method: clinical testing. Allele origin: germline.
Comment: This variant is classified as likely benign based on ACMG/AMP sequence variant interpretation guidelines (Richards et al. 2015 PMID: 25741868, with internal and published modifications).